The following is an entry in ClinVar:

NM_024675.4(PALB2):c.2486A>G (p.Gln829Arg)

Gene: PALB2 (partner and localizer of BRCA2; minus strand). Cytogenetic location: 16p12.2.
Variant type: single nucleotide variant.
Coding change: c.2486A>G on transcript NM_024675.4 (MANE Select); coding-DNA position 2486, A replaced by G.
Protein change: p.Gln829Arg; replaces glutamine 829 with arginine.
Molecular consequence: missense variant. On other transcripts: intron variant (1).
Genome position (GRCh38, 1-based): chr16:23,629,668, T>C on the plus strand (A>G on the coding strand, the complement: PALB2 is on the minus strand). VCF-style: chr16-23629668-T-C. GRCh37 (hg19) VCF-style: chr16-23640989-T-C.
Other names: c.2426A>G, p.Gln809Arg (NM_001407296.1); c.2486A>G, p.Gln829Arg (NM_001407297.1, NM_001407298.1, NM_001407299.1 and 3 more transcripts); c.1601A>G, p.Gln534Arg (NM_001407304.1, NM_001407305.1, NM_001407306.1 and 5 more transcripts); c.698A>G, p.Gln233Arg (NM_001407312.1, NM_001407313.1); c.49-393A>G (NM_001407314.1); short protein forms Q233R, Q534R, Q809R, Q829R.
Identifiers: ClinVar variation 4819607 (VCV004819607.1).
Genomic context (GRCh38, chr16:23,629,668, plus strand): 5'-AGAGAAAATTTCACAGAGGAAATGGATTGTACCTGTTCGACGGAATGTTTATGCAGCTCC[T>C]GGCATGTGTTTCTACAGAGCTGATTTTCTTTAAAAGTGAATGACTCAATGGGTGGAGGTG-3'
Protein context (NP_078951.2, residues 819-839): KENQLCRNTC[Gln829Arg]ELHKHSVEQT

ClinVar aggregate classification (germline): Uncertain significance (1 of 4 stars; one submission).

Conditions:
Hereditary cancer-predisposing syndrome. Also called: Tumor predisposition; Neoplastic Syndromes, Hereditary; Hereditary neoplastic syndrome; Hereditary Cancer Syndrome. Identifiers: Orphanet 140162, MedGen C0027672, MeSH D009386, MONDO:0015356.

Submission:

Praxis Für Humangenetik, Biosciencia MVZ Labor Saar
Classification: Uncertain significance for Hereditary cancer-predisposing syndrome. Last evaluated: 2025-11-10. Review status: criteria provided, single submitter. Criteria: ACMG Guidelines, 2015. Collection method: clinical testing. Allele origin: germline.
Comment: PM2, BP4